The following is an entry in ClinVar:

NC_000012.11:g.(?_109547614)_(109665314_?)dup

Genes: ACACB (acetyl-CoA carboxylase beta; plus strand), UNG (uracil DNA glycosylase; plus strand). Cytogenetic location: 12q24.11.
Variant type: Duplication.
Identifiers: ClinVar variation 1017633 (VCV001017633.5).

ClinVar aggregate classification (germline): Uncertain significance (1 of 4 stars; one submission).

Conditions:
Hyper-IgM syndrome type 5 (HIGM5). Also called: Hyper-IgM Immunodeficiency Syndrome, Type 5. Identifiers: Orphanet 101092, MedGen C1720958, MONDO:0011971, OMIM 608106.

Submission:

Labcorp Genetics (formerly Invitae), Labcorp
Classification: Uncertain significance for Hyper-IgM syndrome type 5. Last evaluated: 2022-10-16. Review status: criteria provided, single submitter. Criteria: Invitae Variant Classification Sherloc (09022015). Collection method: clinical testing. Allele origin: germline.
Comment: This variant results in a copy number gain of the genomic region encompassing exon(s) 7 of the UNG gene. This region includes the termination codon of the gene. This copy number gain extends beyond the assayed region for this gene and therefore may encompass additional genes. As the precise location of this event is unknown, it may be in tandem or it may be located elsewhere in the genome. This variant has not been reported in the literature in individuals affected with UNG-related conditions. In summary, the available evidence is currently insufficient to determine the role of this variant in disease. Therefore, it has been classified as a Variant of Uncertain Significance.